The following is an entry in ClinVar:

ClinVar aggregate classification (germline): Uncertain significance (1 of 4 stars; one submission).

Conditions:
TH-deficient dopa-responsive dystonia. Also called: DYT-TH; Segawa syndrome, autosomal recessive; Tyrosine Hydroxylase-Deficient Dopa-Responsive Dystonia. Identifiers: Orphanet 101150, MedGen C2673535, MONDO:0011551, OMIM 605407.

Submission:

Myriad Genetics, Inc.
Classification: Uncertain significance for TH-deficient dopa-responsive dystonia. Last evaluated: 2026-07-10. Review status: criteria provided, single submitter. Criteria: Myriad Autosomal Dominant, Autosomal Recessive and X-Linked Classification Criteria (2023). Collection method: clinical testing. Allele origin: unknown.
Comment: NM_199292.2(TH):c.796_816dup21(V266_G272dup) is an in-frame insertion classified as a variant of uncertain significance in the context of tyrosine hydroxylase deficiency. V266_G272dup has not been observed in cases with relevant disease. Relevant functional assessments of this variant are not available in the literature. V266_G272dup has not been observed in referenced population frequency databases. In summary, there is insufficient evidence to classify NM_199292.2(TH):c.796_816dup21(V266_G272dup) as pathogenic or benign. Please note: this variant was assessed in the context of healthy population screening.

NM_000360.4(TH):c.703_723dup (p.Gly241_Leu242insValTyrThrThrLeuLysGly)

Gene: TH (tyrosine hydroxylase; minus strand). Cytogenetic location: 11p15.5.
Variant type: Duplication.
Coding change: c.703_723dup on transcript NM_000360.4 (MANE Select); coding-DNA positions 703 to 723, 21 bases duplicated (GTCTACACCACGCTGAAGGGC).
Protein change: p.Gly241_Leu242insValTyrThrThrLeuLysGly.
Molecular consequence: inframe insertion. On other transcripts: intron variant (2).
Genome position (GRCh38, 1-based): chr11:2,167,005-2,167,025, GCCCTTCAGCGTGGTGTAGAC duplicated on the plus strand (GTCTACACCACGCTGAAGGGC on the coding strand, the reverse complement: TH is on the minus strand). VCF-style (leftmost placement, unchanged base first): chr11-2167004-G-GGCCCTTCAGCGTGGTGTAGAC. GRCh37 (hg19) VCF-style: chr11-2188234-G-GGCCCTTCAGCGTGGTGTAGAC.
Other names: c.715_735dup, p.Gly245_Leu246insValTyrThrThrLeuLysGly (NM_001440535.1); c.796_816dup, p.Gly272_Leu273insValTyrThrThrLeuLysGly (NM_199292.3); c.784_804dup, p.Gly268_Leu269insValTyrThrThrLeuLysGly (NM_199293.3); c.695+410_695+430dup (NM_001440537.1); c.707+410_707+430dup (NM_001440536.1).
Identifiers: ClinVar variation 5004783 (VCV005004783.1).